The following is an entry in ClinVar:

ClinVar aggregate classification (germline): Pathogenic (1 of 4 stars; one submission).

Conditions:
Hereditary spastic paraplegia 4. Also called: Spastic paraplegia 4, autosomal dominant; Spastic Paraplegia 4; Familial spastic paraplegia autosomal dominant 2. Identifiers: Orphanet 100985, MedGen C1866855, MONDO:0008438, OMIM 182601.

Submission:

Labcorp Genetics (formerly Invitae), Labcorp
Classification: Pathogenic for Hereditary spastic paraplegia 4. Last evaluated: 2023-04-17. Review status: criteria provided, single submitter. Criteria: Invitae Variant Classification Sherloc (09022015). Collection method: clinical testing. Allele origin: germline.
Comment: For these reasons, this variant has been classified as Pathogenic. This variant has not been reported in the literature in individuals affected with SPAST-related conditions. This variant is not present in population databases (gnomAD no frequency). This sequence change creates a premature translational stop signal (p.Arg539*) in the SPAST gene. It is expected to result in an absent or disrupted protein product. Loss-of-function variants in SPAST are known to be pathogenic (PMID: 20932283).

Literature cited by the submitters: PubMed 20932283.

NM_014946.4(SPAST):c.1614dup (p.Arg539Ter)

Gene: SPAST (spastin; plus strand). Cytogenetic location: 2p22.3.
Variant type: Duplication.
Coding change: c.1614dup on transcript NM_014946.4 (MANE Select); coding-DNA position 1614, one base duplicated (T; older notation c.1614dupT).
Protein change: p.Arg539Ter; replaces arginine 539 with a stop codon.
Molecular consequence: nonsense.
Genome position (GRCh38, 1-based): chr2:32,143,413, T duplicated. VCF-style (leftmost placement, unchanged base first): chr2-32143412-C-CT. GRCh37 (hg19) VCF-style: chr2-32368481-C-CT.
Other names: c.1611dup, p.Arg538Ter (NM_001363823.2); c.1515dup, p.Arg506Ter (NM_001363875.2); c.1518dup, p.Arg507Ter (NM_001377959.1, NM_199436.2); short protein forms R507*, R506*, R538*, R539*.
Identifiers: ClinVar variation 2857132 (VCV002857132.3), dbSNP rs2465903479, ClinGen allele CA2739274301.
Genomic context (GRCh38, chr2:32,143,412, plus strand): 5'-TTAAAAATCTGTTATGTAAACAAGGAAGTCCATTGACCCAAAAAGAACTAGCACAACTTG[C>CT]TAGGTGAGTAATTTGGATTTGGTTTATCTTACAGCTTTTATTTATTTTTTGTAAATAATT-3'